The following is an entry in ClinVar:

NM_020822.3(KCNT1):c.1534T>C (p.Cys512Arg)

Gene: KCNT1 (potassium sodium-activated channel subfamily T member 1; plus strand). Cytogenetic location: 9q34.3.
Variant type: single nucleotide variant.
Coding change: c.1534T>C on transcript NM_020822.3 (MANE Select); coding-DNA position 1534, T replaced by C.
Protein change: p.Cys512Arg; replaces cysteine 512 with arginine.
Molecular consequence: missense variant.
Genome position (GRCh38, 1-based): chr9:135,769,970, T>C. VCF-style: chr9-135769970-T-C. GRCh37 (hg19) VCF-style: chr9-138661816-T-C.
Other names: c.1399T>C, p.Cys467Arg (NM_001272003.2); short protein forms C467R, C512R.
Identifiers: ClinVar variation 1004222 (VCV001004222.11), dbSNP rs1832635534, ClinGen allele CA375505878.

ClinVar aggregate classification (germline): Uncertain significance (1 of 4 stars; one submission).

Conditions:
Autosomal dominant nocturnal frontal lobe epilepsy 5. Also called: KCNT1-Related Epilepsy; CILIARY DYSKINESIA, PRIMARY, 28, WITHOUT SITUS INVERSUS; CILIARY DYSKINESIA, PRIMARY, 28, WITH SITUS INVERSUS; Epilepsy, nocturnal frontal lobe, 5. Identifiers: Orphanet 98784, MedGen C3554306, MONDO:0014002, OMIM 615005.
Developmental and epileptic encephalopathy, 14 (DEE14). Also called: Early infantile epileptic encephalopathy 14. Identifiers: Orphanet 293181, MedGen C3554195, MONDO:0013989, OMIM 614959.

Submission:

Labcorp Genetics (formerly Invitae), Labcorp
Classification: Uncertain significance for Autosomal dominant nocturnal frontal lobe epilepsy 5; Developmental and epileptic encephalopathy, 14. Last evaluated: 2020-01-27. Review status: criteria provided, single submitter. Criteria: Invitae Variant Classification Sherloc (09022015). Collection method: clinical testing. Allele origin: germline.
Comment: In summary, the available evidence is currently insufficient to determine the role of this variant in disease. Therefore, it has been classified as a Variant of Uncertain Significance. Algorithms developed to predict the effect of missense changes on protein structure and function are either unavailable or do not agree on the potential impact of this missense change (SIFT: "Deleterious"; PolyPhen-2: "Possibly Damaging"; Align-GVGD: "Class C0"). This variant has not been reported in the literature in individuals with KCNT1-related conditions. This variant is not present in population databases (ExAC no frequency). This sequence change replaces cysteine with arginine at codon 512 of the KCNT1 protein (p.Cys512Arg). The cysteine residue is moderately conserved and there is a large physicochemical difference between cysteine and arginine.